The following is an entry in ClinVar:

ClinVar aggregate classification (germline): Uncertain significance. Review status: criteria provided, multiple submitters, no conflicts (2 of 4 stars). 2 submissions from 2 submitters: Uncertain significance (2). Last evaluated 2022-02-22.

Conditions:
Hereditary breast ovarian cancer syndrome. Also called: Hereditary breast and ovarian cancer syndrome; Hereditary breast and ovarian cancer; Hereditary breast and ovarian cancer syndrome (HBOC); BRCA1- and BRCA2-Associated Hereditary Breast and Ovarian Cancer; Hereditary breast and/or ovarian cancer syndrome; Breast and ovarian cancer. Identifiers: Orphanet 145, MedGen C0677776, MeSH D061325, MONDO:0003582. Disease mechanism: loss of function.

Submissions (2):

Labcorp Genetics (formerly Invitae), Labcorp
Classification: Uncertain significance for Hereditary breast ovarian cancer syndrome. Last evaluated: 2022-02-22. Review status: criteria provided, single submitter. Criteria: Invitae Variant Classification Sherloc (09022015). Collection method: clinical testing. Allele origin: germline.
Comment: This sequence change replaces isoleucine, which is neutral and non-polar, with leucine, which is neutral and non-polar, at codon 2521 of the BRCA2 protein (p.Ile2521Leu). This variant is not present in population databases (gnomAD no frequency). In summary, the available evidence is currently insufficient to determine the role of this variant in disease. Therefore, it has been classified as a Variant of Uncertain Significance. Advanced modeling of protein sequence and biophysical properties (such as structural, functional, and spatial information, amino acid conservation, physicochemical variation, residue mobility, and thermodynamic stability) performed at Invitae indicates that this missense variant is not expected to disrupt BRCA2 protein function. This variant has not been reported in the literature in individuals affected with BRCA2-related conditions.

National Health Laboratory Service, Universitas Academic Hospital and University of the Free State
Classification: Uncertain significance for Hereditary breast ovarian cancer syndrome. Last evaluated: 2021-11-16. Review status: criteria provided, single submitter. Criteria: ACMG Guidelines, 2015. Collection method: clinical testing. Allele origin: germline. Affected: yes. Observed: 1 variant allele.

Literature cited by the submitters: DOI 10.3389/fgene.2022.834265 (cited by National Health Laboratory Service, Universitas Academic Hospital and University of the Free State).

NM_000059.4(BRCA2):c.7561A>C (p.Ile2521Leu)

Gene: BRCA2 (BRCA2 DNA repair associated; plus strand). Cytogenetic location: 13q13.1.
Variant type: single nucleotide variant.
Coding change: c.7561A>C on transcript NM_000059.4 (MANE Select); coding-DNA position 7561, A replaced by C.
Protein change: p.Ile2521Leu; replaces isoleucine 2521 with leucine.
Molecular consequence: missense variant. On other transcripts: non-coding transcript variant (1).
Genome position (GRCh38, 1-based): chr13:32,356,553, A>C. VCF-style: chr13-32356553-A-C. GRCh37 (hg19) VCF-style: chr13-32930690-A-C.
Other names: NP_000050.3:p.Ile2521Leu; c.7465A>C, p.Ile2489Leu (NM_001406719.1); c.7561A>C, p.Ile2521Leu (NM_001406720.1, NM_001432077.1); c.2629A>C, p.Ile877Leu (NM_001406721.1); c.1144A>C, p.Ile382Leu (NM_001406722.1); short protein forms I2521L, I2489L, I382L, I877L.
Identifiers: ClinVar variation 1325637 (VCV001325637.6), dbSNP rs80358983, ClinGen allele CA387743728.